The following is an entry in ClinVar:

NM_001354604.2(MITF):c.1032-1G>C

Gene: MITF (melanocyte inducing transcription factor; plus strand). Cytogenetic location: 3p13.
Variant type: single nucleotide variant.
Coding change: c.1032-1G>C on transcript NM_001354604.2 (MANE Select); the canonical splice acceptor site of the intron before coding-DNA position 1032, G replaced by C.
Molecular consequence: splice acceptor variant.
Genome position (GRCh38, 1-based): chr3:69,959,272, G>C. VCF-style: chr3-69959272-G-C. GRCh37 (hg19) VCF-style: chr3-70008423-G-C.
Other names: c.711-1G>C (NM_000248.3, NM_000248.4); c.963-1G>C (NM_001354607.2); c.858-1G>C (NM_001354608.2, NM_001184967.2); c.1014-1G>C (NM_198159.3); c.1029-1G>C (NM_001354605.2); c.1011-1G>C (NM_001354606.2, NM_006722.3); c.966-1G>C (NM_198177.3); c.693-1G>C (NM_198158.3); and 1 more.
Identifiers: ClinVar variation 1810185 (VCV001810185.2), dbSNP rs2107536775, ClinGen allele CA353561867.

ClinVar aggregate classification (germline): Likely pathogenic. Review status: criteria provided, multiple submitters, no conflicts (2 of 4 stars). 2 submissions from 2 submitters: Likely pathogenic (2). Last evaluated 2025-11-20.

Conditions:
MITF-related disorder. Also called: MITF-related condition.

Submissions (2):

PreventionGenetics, part of Exact Sciences
Classification: Likely pathogenic for MITF-related condition. Last evaluated: 2025-11-20. Review status: criteria provided, single submitter. Criteria: ACMG Guidelines, 2015. Collection method: clinical testing. Allele origin: germline.
Comment: The MITF c.711-1G>C variant is predicted to disrupt the AG splice acceptor site and interfere with normal splicing. To our knowledge, this variant has not been reported in the literature or in a large population database (gnomAD), indicating this variant is rare. An alternate variant affecting this same splice site (c.711-2A>G) has been reported in an individual with Waardenburg syndrome type II (Wang et al. 2021. PubMed ID: 34323021). Variants that disrupt the consensus splice acceptor site in MITF are expected to be pathogenic. This variant is interpreted as likely pathogenic for autosomal dominant disease.

GeneDx
Classification: Likely pathogenic. Last evaluated: 2022-12-28. Review status: criteria provided, single submitter. Criteria: GeneDx Variant Classification Process June 2021. Collection method: clinical testing. Allele origin: germline. Affected: yes.
Comment: Canonical splice site variant predicted to result in a null allele in a gene for which loss-of-function is a known mechanism of disease; Not observed at significant frequency in large population cohorts (gnomAD); Has not been previously published as pathogenic or benign to our knowledge